The following is an entry in ClinVar:

NM_012401.4(PLXNB2):c.3507C>A (p.Asn1169Lys)

Gene: PLXNB2 (plexin B2; minus strand). Cytogenetic location: 22q13.33.
Variant type: single nucleotide variant.
Coding change: c.3507C>A on transcript NM_012401.4 (MANE Select); coding-DNA position 3507, C replaced by A.
Protein change: p.Asn1169Lys; replaces asparagine 1169 with lysine.
Molecular consequence: missense variant.
Genome position (GRCh38, 1-based): chr22:50,281,581, G>T on the plus strand (C>A on the coding strand, the complement: PLXNB2 is on the minus strand). VCF-style: chr22-50281581-G-T. GRCh37 (hg19) VCF-style: chr22-50720010-G-T.
Other names: c.3744C>A, p.Asn1248Lys (NM_001376864.1); c.3576C>A, p.Asn1192Lys (NM_001376865.1); c.3507C>A, p.Asn1169Lys (NM_001376866.1, NM_001376867.1, NM_001376868.1 and 16 more transcripts); c.3483C>A, p.Asn1161Lys (NM_001376883.1); c.3414C>A, p.Asn1138Lys (NM_001376886.1); short protein forms N1138K, N1161K, N1169K, N1192K, N1248K.
Identifiers: ClinVar variation 4278609 (VCV004278609.1).

ClinVar aggregate classification (germline): Uncertain significance (1 of 4 stars; one submission).

Submission:

GeneDx
Classification: Uncertain significance. Last evaluated: 2022-11-08. Review status: criteria provided, single submitter. Criteria: GeneDx Variant Classification Process June 2021. Collection method: clinical testing. Allele origin: germline. Affected: yes.
Comment: Variants in candidate genes are classified as variants of uncertain significance in accordance with ACMG guidelines (Richards et al., 2015); Not observed at significant frequency in large population cohorts (gnomAD); In silico analysis supports that this missense variant does not alter protein structure/function; Has not been previously published as pathogenic or benign to our knowledge